The following is an entry in ClinVar:

NM_015100.4(POGZ):c.832T>A (p.Ser278Thr)

Gene: POGZ (pogo transposable element derived with ZNF domain; minus strand). Cytogenetic location: 1q21.3.
Variant type: single nucleotide variant.
Coding change: c.832T>A on transcript NM_015100.4 (MANE Select); coding-DNA position 832, T replaced by A.
Protein change: p.Ser278Thr; replaces serine 278 with threonine.
Molecular consequence: missense variant.
Genome position (GRCh38, 1-based): chr1:151,428,150, A>T on the plus strand (T>A on the coding strand, the complement: POGZ is on the minus strand). VCF-style: chr1-151428150-A-T. GRCh37 (hg19) VCF-style: chr1-151400626-A-T.
Other names: c.832T>A, p.Ser278Thr (NM_001194937.2); c.673T>A, p.Ser225Thr (NM_001194938.2, NM_207171.2); c.853T>A, p.Ser285Thr (NM_001410860.1); c.547T>A, p.Ser183Thr (NM_145796.4); short protein forms S278T, S225T, S285T, S183T.
Identifiers: ClinVar variation 4055888 (VCV004055888.1).
Genomic context (GRCh38, chr1:151,428,150, plus strand): 5'-CTGGCTCTGCCATCTCCTCTTCCGAAGCCTTACCTAGCTTGGGATTCGTGGTCTGGTTTG[A>T]CTGGCCTGGAGACTGAACAGCTAGTTGCCCCAGTGAGGTTGGCTGTGTGGCAGTGGGAGT-3'
Protein context (NP_055915.2, residues 268-288): GQLAVQSPGQ[Ser278Thr]NQTTNPKLAP

ClinVar aggregate classification (germline): Uncertain significance (1 of 4 stars; one submission).

Submission:

GeneDx
Classification: Uncertain significance. Last evaluated: 2024-12-31. Review status: criteria provided, single submitter. Criteria: GeneDx Variant Classification Process June 2021. Collection method: clinical testing. Allele origin: germline. Affected: yes.
Comment: Not observed at significant frequency in large population cohorts (gnomAD); In silico analysis indicates that this missense variant does not alter protein structure/function; Has not been previously published as pathogenic or benign to our knowledge